The following is an entry in ClinVar:

ClinVar aggregate classification (germline): Uncertain significance. Review status: criteria provided, multiple submitters, no conflicts (2 of 4 stars). 2 submissions from 2 submitters: Uncertain significance (2). Last evaluated 2025-08-13.

Conditions:
Dilated cardiomyopathy 1O (CMD1O). Also called: CARDIOMYOPATHY, DILATED, WITH VENTRICULAR TACHYCARDIA. Identifiers: Orphanet 154, MedGen C1837839, MONDO:0012062, OMIM 608569.
Cardiovascular phenotype. Identifiers: MedGen CN230736.

Allele frequency attached by ClinVar (database versions not stated): ExAC 0.00002; gnomAD 0.00001; gnomAD exomes below 0.00001.
gnomAD v4.1: 5 of 1,612,896 alleles (0.00031%); highest among the groups gnomAD compares: South Asian, 0.0022%; no homozygotes.

Submissions (2):

Ambry Genetics
Classification: Uncertain significance for Cardiovascular phenotype. Last evaluated: 2025-08-13. Review status: criteria provided, single submitter. Criteria: Ambry Variant Classification Scheme 2023. Collection method: clinical testing. Allele origin: germline.
Comment: The p.T641A variant (also known as c.1921A>G), located in coding exon 14 of the ABCC9 gene, results from an A to G substitution at nucleotide position 1921. The threonine at codon 641 is replaced by alanine, an amino acid with similar properties. This amino acid position is not well conserved in available vertebrate species. In addition, this alteration is predicted to be tolerated by in silico analysis. Based on the available evidence, the clinical significance of this variant remains unclear.

Labcorp Genetics (formerly Invitae), Labcorp
Classification: Uncertain significance for Dilated cardiomyopathy 1O. Last evaluated: 2025-04-23. Review status: criteria provided, single submitter. Criteria: Invitae Variant Classification Sherloc (09022015). Collection method: clinical testing. Allele origin: germline.
Comment: This sequence change replaces threonine, which is neutral and polar, with alanine, which is neutral and non-polar, at codon 641 of the ABCC9 protein (p.Thr641Ala). This variant is present in population databases (rs755145193, gnomAD 0.006%). This variant has not been reported in the literature in individuals affected with ABCC9-related conditions. ClinVar contains an entry for this variant (Variation ID: 2887475). Invitae Evidence Modeling of protein sequence and biophysical properties (such as structural, functional, and spatial information, amino acid conservation, physicochemical variation, residue mobility, and thermodynamic stability) indicates that this missense variant is not expected to disrupt ABCC9 protein function with a negative predictive value of 95%. In summary, the available evidence is currently insufficient to determine the role of this variant in disease. Therefore, it has been classified as a Variant of Uncertain Significance.

NM_020297.4(ABCC9):c.1921A>G (p.Thr641Ala)

Gene: ABCC9 (ATP binding cassette subfamily C member 9; minus strand). Cytogenetic location: 12p12.1.
Variant type: single nucleotide variant.
Coding change: c.1921A>G on transcript NM_020297.4 (MANE Select); coding-DNA position 1921, A replaced by G.
Protein change: p.Thr641Ala; replaces threonine 641 with alanine.
Molecular consequence: missense variant.
Genome position (GRCh38, 1-based): chr12:21,882,864, T>C on the plus strand (A>G on the coding strand, the complement: ABCC9 is on the minus strand). VCF-style: chr12-21882864-T-C. GRCh37 (hg19) VCF-style: chr12-22035798-T-C.
Other names: c.1921A>G, p.Thr641Ala (NM_001377273.1, NM_005691.4); c.1057A>G, p.Thr353Ala (NM_001377274.1); short protein forms T641A, T353A.
Identifiers: ClinVar variation 2887475 (VCV002887475.4), dbSNP rs755145193, ClinGen allele CA6481550.